The following is an entry in ClinVar:

ClinVar aggregate classification (germline): Uncertain significance (1 of 4 stars; one submission).

Allele frequency attached by ClinVar (database versions not stated): ExAC 0.00001; gnomAD 0.00001; gnomAD exomes 0.00002.
gnomAD v4.1: 13 of 1,613,454 alleles (0.00081%); highest among the groups gnomAD compares: South Asian, 0.014%; 1 homozygote.

Submission:

Labcorp Genetics (formerly Invitae), Labcorp
Classification: Uncertain significance. Last evaluated: 2024-07-15. Review status: criteria provided, single submitter. Criteria: Invitae Variant Classification Sherloc (09022015). Collection method: clinical testing. Allele origin: germline.
Comment: This sequence change replaces asparagine, which is neutral and polar, with serine, which is neutral and polar, at codon 729 of the C3 protein (p.Asn729Ser). This variant is present in population databases (rs772417870, gnomAD 0.01%). This variant has not been reported in the literature in individuals affected with C3-related conditions. ClinVar contains an entry for this variant (Variation ID: 1717511). Advanced modeling of protein sequence and biophysical properties (such as structural, functional, and spatial information, amino acid conservation, physicochemical variation, residue mobility, and thermodynamic stability) performed at Invitae indicates that this missense variant is not expected to disrupt C3 protein function with a negative predictive value of 80%. In summary, the available evidence is currently insufficient to determine the role of this variant in disease. Therefore, it has been classified as a Variant of Uncertain Significance.

NM_000064.4(C3):c.2186A>G (p.Asn729Ser)

Gene: C3 (complement C3; minus strand). Cytogenetic location: 19p13.3.
Variant type: single nucleotide variant.
Coding change: c.2186A>G on transcript NM_000064.4 (MANE Select); coding-DNA position 2186, A replaced by G.
Protein change: p.Asn729Ser; replaces asparagine 729 with serine.
Molecular consequence: missense variant.
Genome position (GRCh38, 1-based): chr19:6,707,135, T>C on the plus strand (A>G on the coding strand, the complement: C3 is on the minus strand). VCF-style: chr19-6707135-T-C. GRCh37 (hg19) VCF-style: chr19-6707146-T-C.
Other names: short protein forms N729S.
Identifiers: ClinVar variation 1717511 (VCV001717511.5), dbSNP rs772417870, ClinGen allele CA9129175.